The following is an entry in ClinVar:

ClinVar aggregate classification (germline): Uncertain significance. Review status: criteria provided, multiple submitters, no conflicts (2 of 4 stars). 2 submissions from 2 submitters: Uncertain significance (2). Last evaluated 2023-08-17.

Conditions:
Early-onset Lafora body disease. Also called: Epilepsy, progressive myoclonic, 10. Identifiers: Orphanet 324290, MedGen C4225258, MONDO:0014717, OMIM 616640.

Allele frequency attached by ClinVar (database versions not stated): TOPMed 0.00002.

Submissions (2):

Labcorp Genetics (formerly Invitae), Labcorp
Classification: Uncertain significance for Early-onset Lafora body disease. Last evaluated: 2023-08-17. Review status: criteria provided, single submitter. Criteria: Invitae Variant Classification Sherloc (09022015). Collection method: clinical testing. Allele origin: germline.
Comment: This variant is present in population databases (no rsID available, gnomAD 0.05%). This variant has not been reported in the literature in individuals affected with PRDM8-related conditions. This sequence change replaces aspartic acid, which is acidic and polar, with glutamic acid, which is acidic and polar, at codon 415 of the PRDM8 protein (p.Asp415Glu). Advanced modeling of protein sequence and biophysical properties (such as structural, functional, and spatial information, amino acid conservation, physicochemical variation, residue mobility, and thermodynamic stability) performed at Invitae indicates that this missense variant is not expected to disrupt PRDM8 protein function. ClinVar contains an entry for this variant (Variation ID: 1007922). In summary, the available evidence is currently insufficient to determine the role of this variant in disease. Therefore, it has been classified as a Variant of Uncertain Significance.

Ambry Genetics
Classification: Uncertain significance. Last evaluated: 2022-05-27. Review status: criteria provided, single submitter. Criteria: Ambry Variant Classification Scheme 2023. Collection method: clinical testing. Allele origin: germline.

NM_001099403.2(PRDM8):c.1245C>A (p.Asp415Glu)

Gene: PRDM8 (PR/SET domain 8; plus strand). Cytogenetic location: 4q21.21.
Variant type: single nucleotide variant.
Coding change: c.1245C>A on transcript NM_001099403.2 (MANE Select); coding-DNA position 1245, C replaced by A.
Protein change: p.Asp415Glu; replaces aspartic acid 415 with glutamic acid.
Molecular consequence: missense variant.
Genome position (GRCh38, 1-based): chr4:80,202,707, C>A. VCF-style: chr4-80202707-C-A. GRCh37 (hg19) VCF-style: chr4-81123861-C-A.
Other names: c.1245C>A (NM_020226.3); c.1245C>A, p.Asp415Glu (NM_020226.4); short protein forms D415E.
Identifiers: ClinVar variation 1007922 (VCV001007922.10), dbSNP rs1014511302, ClinGen allele CA100000866.